The following is an entry in ClinVar:

NM_000135.4(FANCA):c.664G>A (p.Glu222Lys)

Gene: FANCA (FA complementation group A; minus strand). Cytogenetic location: 16q24.3.
Variant type: single nucleotide variant.
Coding change: c.664G>A on transcript NM_000135.4 (MANE Select); coding-DNA position 664, G replaced by A.
Protein change: p.Glu222Lys; replaces glutamic acid 222 with lysine.
Molecular consequence: missense variant.
Genome position (GRCh38, 1-based): chr16:89,805,325, C>T on the plus strand (G>A on the coding strand, the complement: FANCA is on the minus strand). VCF-style: chr16-89805325-C-T. GRCh37 (hg19) VCF-style: chr16-89871733-C-T.
Other names: c.664G>A, p.Glu222Lys (NM_001018112.3, NM_001286167.3); c.568G>A, p.Glu190Lys (NM_001351830.2); c.664G>A (NM_000135.2); short protein forms E190K, E222K.
Identifiers: ClinVar variation 1378968 (VCV001378968.6), dbSNP rs2040599267, ClinGen allele CA397477911.

ClinVar aggregate classification (germline): Uncertain significance. Review status: criteria provided, multiple submitters, no conflicts (2 of 4 stars). 2 submissions from 2 submitters: Uncertain significance (2). Last evaluated 2025-09-28.

Conditions:
Fanconi anemia (FA). Also called: Fanconi's anemia. Identifiers: Orphanet 84, MedGen C0015625, MeSH D005199, MONDO:0019391.
Inborn genetic diseases. Identifiers: MedGen C0950123, MeSH D030342.

Allele frequency attached by ClinVar (database versions not stated): gnomAD exomes below 0.00001.
gnomAD v4.1: 1 of 1,614,100 alleles (0.000062%); highest among the groups gnomAD compares: East Asian, 0.0022%; no homozygotes.

Submissions (2):

Ambry Genetics
Classification: Uncertain significance for Inborn genetic diseases. Last evaluated: 2025-09-28. Review status: criteria provided, single submitter. Criteria: Ambry Variant Classification Scheme 2023. Collection method: clinical testing. Allele origin: germline.
Comment: The p.E222K variant (also known as c.664G>A), located in coding exon 7 of the FANCA gene, results from a G to A substitution at nucleotide position 664. The glutamic acid at codon 222 is replaced by lysine, an amino acid with similar properties. This amino acid position is conserved. In addition, this alteration is predicted to be tolerated by in silico analysis. Based on the available evidence, the clinical significance of this variant remains unclear.

Labcorp Genetics (formerly Invitae), Labcorp
Classification: Uncertain significance for Fanconi anemia. Last evaluated: 2022-09-01. Review status: criteria provided, single submitter. Criteria: Invitae Variant Classification Sherloc (09022015). Collection method: clinical testing. Allele origin: germline.
Comment: This sequence change replaces glutamic acid, which is acidic and polar, with lysine, which is basic and polar, at codon 222 of the FANCA protein (p.Glu222Lys). This variant is not present in population databases (gnomAD no frequency). This variant has not been reported in the literature in individuals affected with FANCA-related conditions. ClinVar contains an entry for this variant (Variation ID: 1378968). Advanced modeling of protein sequence and biophysical properties (such as structural, functional, and spatial information, amino acid conservation, physicochemical variation, residue mobility, and thermodynamic stability) performed at Invitae indicates that this missense variant is not expected to disrupt FANCA protein function. In summary, the available evidence is currently insufficient to determine the role of this variant in disease. Therefore, it has been classified as a Variant of Uncertain Significance.